The following is an entry in ClinVar:

ClinVar aggregate classification (germline): Likely pathogenic (1 of 4 stars; one submission).

Submission:

Clinical Genomics Laboratory, Laboratory for Precision Diagnostics, University of Washington
Classification: Likely pathogenic. Last evaluated: 2025-03-03. Review status: criteria provided, single submitter. Criteria: ACMG/ClinGen CNV Guidelines, 2019. Collection method: clinical testing. Allele origin: de novo. Affected: yes. Observed: 1 variant allele.
Comment: The intragenic duplication as detected by this chromosomal SNP microarray is approximately 27 kb and likely encompasses exons 46-60 of FBN1 (NM_000138.5). Intragenic duplications are generally in tandem (PMID: 25640679), and this specific variant is predicted to be out-of-frame. Thus, this duplication likely causes loss of function of one copy of FBN1. Heterozygous loss-of-function variants in FBN1 are known to cause Marfan syndrome.

Literature cited by the submitters: PubMed 37377051; PubMed 25640679; PubMed 37840436.

GRCh38/hg38 15q21.1(chr15:48436788-48444420)x3

Gene: FBN1 (fibrillin 1; minus strand). Cytogenetic location: 15q21.1.
Variant type: copy number gain.
Change: copy number 3 (three copies instead of two) of chr15:48,436,788-48,444,420 (7.6 kb, GRCh38 coordinates, 1-based), cytogenetic band 15q21.1.
Identifiers: ClinVar variation 4890958 (VCV004890958.1).